The following is an entry in ClinVar:

ClinVar aggregate classification (germline): Uncertain significance (1 of 4 stars; one submission).

Conditions:
Renal carnitine transport defect (CDSP). Also called: Primary carnitine deficiency; CARNITINE DEFICIENCY, SYSTEMIC, DUE TO DEFECT IN RENAL REABSORPTION OF CARNITINE; CARNITINE TRANSPORTER, PLASMA-MEMBRANE, DEFICIENCY OF; CARNITINE UPTAKE DEFECT; Carnitine transporter deficiency; Systemic primary carnitine deficiency disease. Identifiers: Orphanet 158, MedGen C0342788, MONDO:0008919, OMIM 212140.

Submission:

Labcorp Genetics (formerly Invitae), Labcorp
Classification: Uncertain significance for Renal carnitine transport defect. Last evaluated: 2022-07-30. Review status: criteria provided, single submitter. Criteria: Invitae Variant Classification Sherloc (09022015). Collection method: clinical testing. Allele origin: germline.
Comment: Advanced modeling of protein sequence and biophysical properties (such as structural, functional, and spatial information, amino acid conservation, physicochemical variation, residue mobility, and thermodynamic stability) performed at Invitae indicates that this missense variant is not expected to disrupt SLC22A5 protein function. Algorithms developed to predict the effect of sequence changes on RNA splicing suggest that this variant may create or strengthen a splice site. In summary, the available evidence is currently insufficient to determine the role of this variant in disease. Therefore, it has been classified as a Variant of Uncertain Significance. This sequence change replaces proline, which is neutral and non-polar, with arginine, which is basic and polar, at codon 78 of the SLC22A5 protein (p.Pro78Arg). This variant is not present in population databases (gnomAD no frequency). This variant has not been reported in the literature in individuals affected with SLC22A5-related conditions. ClinVar contains an entry for this variant (Variation ID: 1520493).

NM_003060.4(SLC22A5):c.233C>G (p.Pro78Arg)

Gene: SLC22A5 (solute carrier family 22 member 5; plus strand). Cytogenetic location: 5q31.1.
Variant type: single nucleotide variant.
Coding change: c.233C>G on transcript NM_003060.4 (MANE Select); coding-DNA position 233, C replaced by G.
Protein change: p.Pro78Arg; replaces proline 78 with arginine.
Molecular consequence: missense variant.
Genome position (GRCh38, 1-based): chr5:132,370,205, C>G. VCF-style: chr5-132370205-C-G. GRCh37 (hg19) VCF-style: chr5-131705897-C-G.
Other names: c.233C>G, p.Pro78Arg (NM_001308122.2); short protein forms P78R.
Identifiers: ClinVar variation 1520493 (VCV001520493.6), dbSNP rs1751846688, ClinGen allele CA360802640.